The following is an entry in ClinVar:

NM_007294.4(BRCA1):c.4445A>T (p.Asp1482Val)

Gene: BRCA1 (BRCA1 DNA repair associated; minus strand). Cytogenetic location: 17q21.31.
Variant type: single nucleotide variant.
Coding change: c.4445A>T on transcript NM_007294.4 (MANE Select); coding-DNA position 4445, A replaced by T.
Protein change: p.Asp1482Val; replaces aspartic acid 1482 with valine.
Molecular consequence: missense variant. On other transcripts: non-coding transcript variant (1).
Genome position (GRCh38, 1-based): chr17:43,076,527, T>A on the plus strand (A>T on the coding strand, the complement: BRCA1 is on the minus strand). VCF-style: chr17-43076527-T-A. GRCh37 (hg19) VCF-style: chr17-41228544-T-A.
Other names: c.4109A>T, p.Asp1370Val (NM_001407954.1, NM_001407955.1, NM_001407950.1 and 3 more transcripts); c.4511A>T, p.Asp1504Val (NM_001407581.1, NM_001407582.1); c.4508A>T, p.Asp1503Val (NM_001407585.1, NM_001407587.1, NM_001407583.1 and 1 more transcripts); c.4505A>T, p.Asp1502Val (NM_001407590.1, NM_001407591.1); c.4445A>T, p.Asp1482Val (NM_001407593.1, NM_001407594.1, NM_001407596.1 and 8 more transcripts); c.4061A>T, p.Asp1354Val (NM_001407962.1, NM_001407960.1); c.4106A>T, p.Asp1369Val (NM_001407956.1, NM_001407958.1, NM_001407957.1); c.4064A>T, p.Asp1355Val (NM_001407959.1); and 68 more; short protein forms D1482V, D1435V, D1503V, D378V, D1355V, D1371V, D1393V, D1413V.
Identifiers: ClinVar variation 531232 (VCV000531232.9), dbSNP rs757726297, ClinGen allele CA052298.

ClinVar aggregate classification (germline): Uncertain significance (1 of 4 stars; one submission).

Conditions:
Hereditary breast ovarian cancer syndrome. Also called: Hereditary breast and ovarian cancer syndrome (HBOC); BRCA1- and BRCA2-Associated Hereditary Breast and Ovarian Cancer; Hereditary breast and ovarian cancer syndrome; Breast and ovarian cancer; Hereditary breast and ovarian cancer; Hereditary breast and/or ovarian cancer syndrome. Identifiers: Orphanet 145, MedGen C0677776, MeSH D061325, MONDO:0003582. Disease mechanism: loss of function.

Allele frequency attached by ClinVar (database versions not stated): ExAC 0.00001.

Submission:

Labcorp Genetics (formerly Invitae), Labcorp
Classification: Uncertain significance for Hereditary breast ovarian cancer syndrome. Last evaluated: 2025-01-08. Review status: criteria provided, single submitter. Criteria: Invitae Variant Classification Sherloc (09022015). Collection method: clinical testing. Allele origin: germline.
Comment: This sequence change replaces aspartic acid, which is acidic and polar, with valine, which is neutral and non-polar, at codon 1482 of the BRCA1 protein (p.Asp1482Val). This variant is not present in population databases (gnomAD no frequency). This variant has not been reported in the literature in individuals affected with BRCA1-related conditions. ClinVar contains an entry for this variant (Variation ID: 531232). Invitae Evidence Modeling of protein sequence and biophysical properties (such as structural, functional, and spatial information, amino acid conservation, physicochemical variation, residue mobility, and thermodynamic stability) indicates that this missense variant is not expected to disrupt BRCA1 protein function with a negative predictive value of 95%. In summary, the available evidence is currently insufficient to determine the role of this variant in disease. Therefore, it has been classified as a Variant of Uncertain Significance.